The following is an entry in ClinVar:

ClinVar aggregate classification (germline): Likely benign (0 of 4 stars; one submission).

Conditions:
SEMA3F-related disorder. Also called: SEMA3F-related condition.

gnomAD v4.1: 30 of 1,610,908 alleles (0.0019%); highest among the groups gnomAD compares: Middle Eastern, 0.017%; no homozygotes.

Submission:

PreventionGenetics, part of Exact Sciences
Classification: Likely benign for SEMA3F-related condition. Last evaluated: 2024-01-02. Review status: no assertion criteria provided. Collection method: clinical testing. Allele origin: germline.
Comment: This variant is classified as likely benign based on ACMG/AMP sequence variant interpretation guidelines (Richards et al. 2015 PMID: 25741868, with internal and published modifications).

NM_004186.5(SEMA3F):c.495C>G (p.Arg165=)

Gene: SEMA3F (semaphorin 3F; plus strand). Cytogenetic location: 3p21.31.
Variant type: single nucleotide variant.
Coding change: c.495C>G on transcript NM_004186.5 (MANE Select); coding-DNA position 495, C replaced by G.
Protein change: p.Arg165=; no amino-acid change (arginine 165 retained).
Molecular consequence: synonymous variant. On other transcripts: intron variant (2).
Genome position (GRCh38, 1-based): chr3:50,175,134, C>G. VCF-style: chr3-50175134-C-G. GRCh37 (hg19) VCF-style: chr3-50212567-C-G.
Other names: c.252+784C>G (NM_001318798.2); c.456+784C>G (NM_001318800.2).
Identifiers: ClinVar variation 3348838 (VCV003348838.1).
Genomic context (GRCh38, chr3:50,175,134, plus strand): 5'-CCCCTGTTCCTCGTCTTCTCAGGCCACACCATGGACCCAGACTCAGGCGGTCAGAGGCCG[C>G]GGCAGCAGAGCCACGGATGGTGCCCTCCGCCCGATGCCCACAGCCCCACGCCAGGTGGGC-3'
Protein context (NP_004177.3, residues 155-175): PWTQTQAVRG[Arg165=]GSRATDGALR